The following is an entry in ClinVar:

ClinVar aggregate classification (germline): Uncertain significance. Review status: criteria provided, multiple submitters, no conflicts (2 of 4 stars). 2 submissions from 2 submitters: Uncertain significance (2). Last evaluated 2023-09-11.

Conditions:
CHARGE syndrome (CHARGE). Also called: Hittner Hirsch Kreh syndrome; CHARGE ASSOCIATION--COLOBOMA, HEART ANOMALY, CHOANAL ATRESIA, RETARDATION, GENITAL AND EAR ANOMALIES; Coloboma, heart anomaly, choanal atresia, retardation, genital and ear anomalies; CHARGE association; Hall-Hittner syndrome. Identifiers: Orphanet 138, MedGen C0265354, MONDO:0008965.

Allele frequency attached by ClinVar (database versions not stated): gnomAD exomes below 0.00001.
gnomAD v4.1: 3 of 1,614,004 alleles (0.00019%); highest among the groups gnomAD compares: Non-Finnish European, 0.00025%; no homozygotes.

Submissions (2):

Labcorp Genetics (formerly Invitae), Labcorp
Classification: Uncertain significance for CHARGE syndrome. Last evaluated: 2023-09-11. Review status: criteria provided, single submitter. Criteria: Invitae Variant Classification Sherloc (09022015). Collection method: clinical testing. Allele origin: germline.
Comment: This sequence change replaces serine, which is neutral and polar, with asparagine, which is neutral and polar, at codon 357 of the CHD7 protein (p.Ser357Asn). In summary, the available evidence is currently insufficient to determine the role of this variant in disease. Therefore, it has been classified as a Variant of Uncertain Significance. Advanced modeling of protein sequence and biophysical properties (such as structural, functional, and spatial information, amino acid conservation, physicochemical variation, residue mobility, and thermodynamic stability) performed at Invitae indicates that this missense variant is not expected to disrupt CHD7 protein function. This variant has not been reported in the literature in individuals affected with CHD7-related conditions. This variant is not present in population databases (gnomAD no frequency).

Blueprint Genetics
Classification: Uncertain significance. Last evaluated: 2019-05-08. Review status: criteria provided, single submitter. Criteria: ACMG Guidelines, 2015. Collection method: clinical testing. Allele origin: germline.

NM_017780.4(CHD7):c.1070G>A (p.Ser357Asn)

Gene: CHD7 (chromodomain helicase DNA binding protein 7; plus strand). Cytogenetic location: 8q12.2.
Variant type: single nucleotide variant.
Coding change: c.1070G>A on transcript NM_017780.4 (MANE Select); coding-DNA position 1070, G replaced by A.
Protein change: p.Ser357Asn; replaces serine 357 with asparagine.
Molecular consequence: missense variant.
Genome position (GRCh38, 1-based): chr8:60,742,502, G>A. VCF-style: chr8-60742502-G-A. GRCh37 (hg19) VCF-style: chr8-61655061-G-A.
Other names: c.1070G>A, p.Ser357Asn (NM_001316690.1); short protein forms S357N.
Identifiers: ClinVar variation 2833012 (VCV002833012.4), dbSNP rs2487275749, ClinGen allele CA371301116.